The following is an entry in ClinVar:

NM_000492.4(CFTR):c.165-1G>A

Genes: CFTR (CF transmembrane conductance regulator; plus strand), LOC113664106 (CFTR intron 2 DNase I hypersensitive site; plus strand). Cytogenetic location: 7q31.2.
Variant type: single nucleotide variant.
Coding change: c.165-1G>A on transcript NM_000492.4 (MANE Select); the canonical splice acceptor site of the intron before coding-DNA position 165, G replaced by A.
Molecular consequence: splice acceptor variant.
Genome position (GRCh38, 1-based): chr7:117,509,033, G>A. VCF-style: chr7-117509033-G-A. GRCh37 (hg19) VCF-style: chr7-117149087-G-A.
Other names: 297-1G->A.
Identifiers: ClinVar variation 53314 (VCV000053314.17), dbSNP rs397508249, ClinGen allele CA326575.

ClinVar aggregate classification (germline): Pathogenic. Review status: reviewed by expert panel (3 of 4 stars). 9 submissions from 9 submitters: Pathogenic (1). 8 of the submissions do not count toward it. Last evaluated 2017-03-17.

Conditions:
CFTR-related disorder (CFTR-RD). Also called: CFTR-related disorders; CFTR-related condition. Identifiers: MedGen C5924204, MONDO:7770004.
Cystic fibrosis (CF). Also called: MUCOVISCIDOSIS. Identifiers: Orphanet 586, MedGen C0010674, MONDO:0009061, OMIM 219700. Disease mechanism: loss of function.

Submissions (9):

CFTR2
Classification: Pathogenic for Cystic fibrosis. Last evaluated: 2017-03-17. Review status: reviewed by expert panel. Criteria: Sosnay PR et al. (Nat Genet 2013). Collection method: research. Allele origin: germline. Affected: yes. Study: CFTR2.

Labcorp Genetics (formerly Invitae), Labcorp
Classification: Pathogenic for Cystic fibrosis. Last evaluated: 2025-12-10. Review status: criteria provided, single submitter. Criteria: Invitae Variant Classification Sherloc (09022015). Collection method: clinical testing. Allele origin: germline. Not counted in ClinVar's aggregate classification.
Comment: This sequence change affects an acceptor splice site in intron 2 of the CFTR gene. It is expected to disrupt RNA splicing. Variants that disrupt the donor or acceptor splice site typically lead to a loss of protein function (PMID: 16199547), and loss-of-function variants in CFTR are known to be pathogenic (PMID: 1695717, 7691345, 9725922). This variant is not present in population databases (gnomAD no frequency). Disruption of this splice site has been observed in individuals with cystic fibrosis (PMID: 10798368, 12000363, 16980811, 26098992). This variant is also known as 297-1G>A. ClinVar contains an entry for this variant (Variation ID: 53314). Algorithms developed to predict the effect of sequence changes on RNA splicing suggest that this variant may disrupt the consensus splice site. For these reasons, this variant has been classified as Pathogenic.

Natera, Inc.
Classification: Pathogenic for CFTR-related disorders. Last evaluated: 2025-08-01. Review status: criteria provided, single submitter. Criteria: Natera Variant Classification Schema (03/2026). Collection method: clinical testing. Allele origin: germline. Not counted in ClinVar's aggregate classification.
Comment: The c.165-1G>A variant in CFTR is a canonical splice acceptor site variant predicted to affect pre-mRNA splicing, which may result in an abnormal transcript and altered protein product. This variant is expected to result in nonsense mediated decay, truncation, or a dysfunctional protein product. This variant is rare in the general population with a frequency below the threshold expected for the associated phenotype(s). This variant has been observed in one or more individuals affected with the associated recessive disease, as either homozygous or compound heterozygous with a second variant (PMID: 10798368). Given the available evidence, this variant is classified as Pathogenic.

Laboratory for Molecular Medicine, Mass General Brigham Personalized Medicine
Classification: Pathogenic for Cystic fibrosis. Last evaluated: 2024-01-02. Review status: criteria provided, single submitter. Criteria: ACMG Guidelines, 2015. Collection method: clinical testing. Allele origin: germline. Inheritance: Autosomal recessive inheritance. Not counted in ClinVar's aggregate classification.
Comment: The c.165-1G>A variant in CFTR has been reported in the compound heterozygous state with another pathogenic variant in CFTR in at least 3 individuals with clinical features of cystic fibrosis (Orozco 2000 PMID: 10798368, Kammesheidt 2006 PMID: 16980811, Kay 2015 PMID: 26098992). This variant has also been reported by other clinical laboratories in ClinVar (Variation ID 53314) and was absent from large population studies (gnomAD, v.3.1.2). This variant occurs within the canonical splice site (+/- 1,2) and is predicted to cause altered splicing leading to an abnormal or absent protein. Biallelic loss of function of the CFTR gene is an established disease mechanism in autosomal recessive cystic fibrosis. In summary, this variant meets criteria to be classified as pathogenic for autosomal recessive cystic fibrosis. ACMG/AMP Criteria applied: PVS1, PM3, PM2_Supporting.

Johns Hopkins Genomics, Johns Hopkins University
Classification: Pathogenic for Cystic fibrosis. Last evaluated: 2023-12-20. Review status: criteria provided, single submitter. Criteria: ACMG Guidelines, 2015. Collection method: clinical testing. Allele origin: germline. Not counted in ClinVar's aggregate classification.
Comment: Disease-causing CFTR variant. See CFTR2 for phenotype information.

Ambry Genetics
Classification: Pathogenic for Cystic fibrosis. Last evaluated: 2018-08-14. Review status: criteria provided, single submitter. Criteria: Ambry Variant Classification Scheme 2023. Collection method: clinical testing. Allele origin: germline. Not counted in ClinVar's aggregate classification.
Comment: The c.165-1G>A intronic pathogenic mutation results from a G to A substitution one nucleotide upstream from coding exon 3 of the CFTR gene. This mutation was first reported in the literature in a patient with meconium ileus, severe lung disease, and pancreatic insufficiency, who also carried a p.F508del mutation on the paternal allele (Orozco L et al. Hum Genet. 2000;106:360-5). Alterations that disrupt the canonical splice site are expected to cause aberrant splicing, resulting in an abnormal protein or a transcript that is subject to nonsense-mediated mRNA decay. As such, this alteration is classified as likely pathogenic.

Women's Health and Genetics/Laboratory Corporation of America, LabCorp
Classification: Pathogenic for Cystic fibrosis. Last evaluated: 2016-09-28. Review status: criteria provided, single submitter. Criteria: LabCorp Variant Classification Summary - May 2015. Collection method: clinical testing. Allele origin: germline. Not counted in ClinVar's aggregate classification.
Comment: Variant summary: The CFTR c.165-1G>A (a.k.a. IVS2-1G>A, 297-1G>A) variant involves the alteration of a conserved intronic nucleotide, at a location known to affect splicing, with 5/5 splice prediction tools predicting alterations to normal splicing and the removal of two ESE binding sites, although these predictions have yet to be functionally assessed. The variant of interest has not been observed in controls (ExAC, 1000 Gs, or ESP) and has been reported in multiple affected individuals as compound heterozytoges via publications, In addition, multiple databases/clinical diagnostic laboratories cite the variant as "pathogenic." Therefore, the variant of interest has been classified as Pathogenic.

Eurofins Ntd Llc (ga)
Classification: Pathogenic. Last evaluated: 2016-01-19. Review status: criteria provided, single submitter. Criteria: EGL Classification Definitions 2015. Collection method: clinical testing. Allele origin: germline. Observed: 2 variant alleles, 2 heterozygotes. Not counted in ClinVar's aggregate classification.

Counsyl
Classification: Pathogenic for Cystic fibrosis. Last evaluated: 2017-03-24. Review status: no assertion criteria provided. Collection method: clinical testing. Allele origin: unknown. Not counted in ClinVar's aggregate classification.

Literature cited by the submitters: PubMed 16199547 (cited by Labcorp Genetics (formerly Invitae), Labcorp); PubMed 1695717 (cited by Labcorp Genetics (formerly Invitae), Labcorp); PubMed 7691345 (cited by Labcorp Genetics (formerly Invitae), Labcorp); PubMed 9725922 (cited by Labcorp Genetics (formerly Invitae), Labcorp); PubMed 10798368 (cited by 5 submitters); PubMed 12000363 (cited by Labcorp Genetics (formerly Invitae), Labcorp); PubMed 16980811 (cited by 4 submitters); PubMed 26098992 (cited by 4 submitters).